The following is an entry in ClinVar:

ClinVar aggregate classification (germline): Uncertain significance (1 of 4 stars; one submission).

Submission:

GeneDx
Classification: Uncertain significance. Last evaluated: 2025-10-28. Review status: criteria provided, single submitter. Criteria: GeneDx Variant Classification Process June 2021. Collection method: clinical testing. Allele origin: germline.
Comment: Not observed at significant frequency in large population cohorts (gnomAD); In silico analysis supports that this missense variant has a deleterious effect on protein structure/function; Has not been previously published as pathogenic or benign to our knowledge

NM_001369268.1(ACAN):c.7571C>T (p.Pro2524Leu)

Gene: ACAN (aggrecan; plus strand). Cytogenetic location: 15q26.1.
Variant type: single nucleotide variant.
Coding change: c.7571C>T on transcript NM_001369268.1 (MANE Select); coding-DNA position 7571, C replaced by T.
Protein change: p.Pro2524Leu; replaces proline 2524 with leucine.
Molecular consequence: missense variant. On other transcripts: intron variant (1).
Genome position (GRCh38, 1-based): chr15:88,873,965, C>T. VCF-style: chr15-88873965-C-T. GRCh37 (hg19) VCF-style: chr15-89417196-C-T.
Other names: c.7343C>T, p.Pro2448Leu (NM_001411096.1); c.7457C>T, p.Pro2486Leu (NM_001411097.1, NM_013227.4); c.7220-440C>T (NM_001135.4); short protein forms P2448L, P2486L, P2524L.
Identifiers: ClinVar variation 4082799 (VCV004082799.2).